The following is an entry in ClinVar:

ClinVar aggregate classification (germline): Uncertain significance (1 of 4 stars; one submission).

Conditions:
Telangiectasia, hereditary hemorrhagic, type 1 (HHT1). Also called: Osler Weber Rendu syndrome type 1; ENG-Related Hereditary Hemorrhagic Telangiectasia. Identifiers: Orphanet 774, MedGen C4551861, MONDO:0008535, OMIM 187300. Disease mechanism: loss of function.

Submission:

Clinical Genomics Laboratory, Washington University in St. Louis
Classification: Uncertain significance for Telangiectasia, hereditary hemorrhagic, type 1. Last evaluated: 2026-03-13. Review status: criteria provided, single submitter. Criteria: Leon-Quintero et al. (Clin Genet. 2025). Collection method: clinical testing. Allele origin: somatic.
Comment: An ENG c.581_592dup (p.Leu194_Arg197dup) variant was identified at an allelic fraction consistent with somatic origin. The ENG c.581_592dup (p.Leu194_Arg197dup) variant, to our knowledge, has not been reported in the medical literature. This variant is absent from the general population (gnomAD v4.1.0), indicating it is not a common variant. This variant is predicted to cause a change in the length of the protein due to an in-frame duplication of four amino acids in a non-repeat region. Due to limited information, and based on internally developed protocol informed by the ACMG/AMP guidelines for variant interpretation and gene-specific practices from the ClinGen Criteria Specification Registry (Leon-Quintero FZ et al., PMID: 39434542), the clinical significance of the ENG c.581_592dup (p.Leu194_Arg197dup) is uncertain at this time.

NM_001114753.3(ENG):c.581_592dup (p.Arg197_Pro198insLeuGluTrpArg)

Gene: ENG (endoglin; minus strand). Cytogenetic location: 9q34.11.
Variant type: Duplication.
Coding change: c.581_592dup on transcript NM_001114753.3 (MANE Select); coding-DNA positions 581 to 592, 12 bases duplicated (TCGAGTGGCGGC).
Protein change: p.Arg197_Pro198insLeuGluTrpArg.
Genome position (GRCh38, 1-based): chr9:127,825,792-127,825,803, GCCGCCACTCGA duplicated on the plus strand (TCGAGTGGCGGC on the coding strand, the reverse complement: ENG is on the minus strand); duplicating any 12 consecutive bases within chr9:127,825,792-127,825,805 gives the same sequence; the c. name uses the placement nearest the transcript's 3' end. VCF-style (leftmost placement, unchanged base first): chr9-127825791-G-GGCCGCCACTCGA. GRCh37 (hg19) VCF-style: chr9-130588070-G-GGCCGCCACTCGA.
Other names: c.581_592dup, p.Arg197_Pro198insLeuGluTrpArg (NM_000118.4, NM_001406715.1); c.35_46dup, p.Arg15_Pro16insLeuGluTrpArg (NM_001278138.2).
Identifiers: ClinVar variation 4974574 (VCV004974574.1).
Genomic context (GRCh38, chr9:127,825,791, plus strand): 5'-GCCTCCTTGTGGCCGGCCACGCCTTCCAAGTGGCAGCCCCGGACCAAGGCTGGAGTACGC[G>GGCCGCCACTCGA]GCCGCCACTCGAGCGTGCGGCCCATGTCCTGGCTGGCTTCCAGCATGCAGAAGGACAGTG-3'